The following is an entry in ClinVar:

ClinVar aggregate classification (germline): Pathogenic. Review status: criteria provided, multiple submitters, no conflicts (2 of 4 stars). 3 submissions from 3 submitters: Pathogenic (2). 1 of the submissions does not count toward it. Last evaluated 2023-09-12.

Conditions:
Cone-rod dystrophy 13 (CORD13). Identifiers: Orphanet 1872, MedGen C2750720, MONDO:0011987, OMIM 608194.
Leber congenital amaurosis 6 (LCA6). Identifiers: Orphanet 65, MedGen C1854260, MONDO:0013446, OMIM 613826.

Submissions (3):

Labcorp Genetics (formerly Invitae), Labcorp
Classification: Pathogenic for Leber congenital amaurosis 6; Cone-rod dystrophy 13. Last evaluated: 2023-09-12. Review status: criteria provided, single submitter. Criteria: Invitae Variant Classification Sherloc (09022015). Collection method: clinical testing. Allele origin: germline.
Comment: For these reasons, this variant has been classified as Pathogenic. ClinVar contains an entry for this variant (Variation ID: 981637). This variant is also known as 3629insG, ins 3629+1G. This premature translational stop signal has been observed in individual(s) with Leber congenital amaurosis (PMID: 11528500). This variant is not present in population databases (gnomAD no frequency). This sequence change creates a premature translational stop signal (p.Val1211Serfs*4) in the RPGRIP1 gene. It is expected to result in an absent or disrupted protein product. Loss-of-function variants in RPGRIP1 are known to be pathogenic (PMID: 11528500, 23105016).

MGZ Medical Genetics Center
Classification: Pathogenic for Leber congenital amaurosis 6. Last evaluated: 2022-06-28. Review status: criteria provided, single submitter. Criteria: ACMG Guidelines, 2015. Collection method: clinical testing. Allele origin: germline. Affected: yes. Observed: 1 variant allele.
Comment: ACMG criteria applied: PVS1, PM3_STR, PM2_SUP

Laboratory of Genetics in Ophthalmology, Institut Imagine
Classification: Pathogenic for Leber congenital amaurosis 6. Review status: no assertion criteria provided. Collection method: research. Allele origin: inherited. Affected: yes. Observed: 1 variant allele. Not counted in ClinVar's aggregate classification.

Literature cited by the submitters: PubMed 11528500 (cited by Labcorp Genetics (formerly Invitae), Labcorp and Laboratory of Genetics in Ophthalmology, Institut Imagine); PubMed 23105016 (cited by Labcorp Genetics (formerly Invitae), Labcorp).

NM_020366.4(RPGRIP1):c.3629_3630insG (p.Val1211fs)

Gene: RPGRIP1 (RPGR interacting protein 1; plus strand). Cytogenetic location: 14q11.2.
Variant type: Insertion.
Coding change: c.3629_3630insG on transcript NM_020366.4 (MANE Select); coding-DNA positions 3629 to 3630, G inserted.
Protein change: p.Val1211fs; shifts the reading frame from valine 1211.
Molecular consequence: frameshift variant.
Genome position: GRCh38 VCF-style: chr14-21348183-C-CG. GRCh37 (hg19) VCF-style: chr14-21816342-C-CG.
Other names: c.1607_1608insG, p.Val537fs (NM_001377523.1, NM_001377950.1); c.2555_2556insG, p.Val853fs (NM_001377948.1); c.1715_1716insG, p.Val573fs (NM_001377949.1); c.1112_1113insG, p.Val372fs (NM_001377951.1); short protein forms V1211fs, V372fs, V537fs, V573fs, V853fs.
Identifiers: ClinVar variation 981637 (VCV000981637.6), dbSNP rs1885757549, ClinGen allele CA1139663403.